The following is an entry in ClinVar:

NM_000507.4(FBP1):c.504T>A (p.Tyr168Ter)

Gene: FBP1 (fructose-bisphosphatase 1; minus strand). Cytogenetic location: 9q22.32.
Variant type: single nucleotide variant.
Coding change: c.504T>A on transcript NM_000507.4 (MANE Select); coding-DNA position 504, T replaced by A.
Protein change: p.Tyr168Ter; replaces tyrosine 168 with a stop codon.
Molecular consequence: nonsense.
Genome position (GRCh38, 1-based): chr9:94,609,984, A>T on the plus strand (T>A on the coding strand, the complement: FBP1 is on the minus strand). VCF-style: chr9-94609984-A-T. GRCh37 (hg19) VCF-style: chr9-97372266-A-T.
Other names: c.504T>A, p.Tyr168Ter (NM_001127628.2); short protein forms Y168*.
Identifiers: ClinVar variation 2819827 (VCV002819827.3), dbSNP rs2538936176, ClinGen allele CA374107735.

ClinVar aggregate classification (germline): Pathogenic (1 of 4 stars; one submission).

Conditions:
Fructose-biphosphatase deficiency (FBP1D). Also called: Fructose 1,6 Bisphosphatase Deficiency; Fructose-1,6-Bisphosphatase 1 Deficiency; Fructose-1,6-Diphosphatase Deficiency. Identifiers: Orphanet 348, MedGen C0016756, MONDO:0009251, OMIM 229700.

Submission:

Labcorp Genetics (formerly Invitae), Labcorp
Classification: Pathogenic for Fructose-biphosphatase deficiency. Last evaluated: 2022-12-10. Review status: criteria provided, single submitter. Criteria: Invitae Variant Classification Sherloc (09022015). Collection method: clinical testing. Allele origin: germline.
Comment: This sequence change creates a premature translational stop signal (p.Tyr168*) in the FBP1 gene. It is expected to result in an absent or disrupted protein product. Loss-of-function variants in FBP1 are known to be pathogenic (PMID: 9382095, 19259699, 27101822). For these reasons, this variant has been classified as Pathogenic. This variant has not been reported in the literature in individuals affected with FBP1-related conditions. This variant is not present in population databases (gnomAD no frequency).

Literature cited by the submitters: PubMed 9382095; PubMed 19259699; PubMed 27101822.